The following is an entry in ClinVar:

ClinVar aggregate classification (germline): Conflicting classifications of pathogenicity. Review status: criteria provided, conflicting classifications (1 of 4 stars). 3 submissions from 3 submitters: Uncertain significance (2); Likely benign (1). Last evaluated 2026-01-08.

Conditions:
Brugada syndrome. Also called: Sudden Unexplained Death Syndrome; Sudden Unexplained Nocturnal Death Syndrome (SUNDS); Sudden unexpected nocturnal death syndrome; Sudden unexplained nocturnal death syndrome. Identifiers: Orphanet 130, MedGen C1142166, MONDO:0015263.
Cardiovascular phenotype. Identifiers: MedGen CN230736.

Allele frequency attached by ClinVar (database versions not stated): ExAC 0.00002; gnomAD 0.00002; gnomAD exomes 0.00002 and 0.00006; TOPMed 0.00002.
gnomAD v4.1: 29 of 1,613,466 alleles (0.0018%); highest among the groups gnomAD compares: Admixed American, 0.043%; 1 homozygote.

Submissions (3):

Labcorp Genetics (formerly Invitae), Labcorp
Classification: Uncertain significance for Brugada syndrome. Last evaluated: 2026-01-08. Review status: criteria provided, single submitter. Criteria: Invitae Variant Classification Sherloc (09022015). Collection method: clinical testing. Allele origin: germline.
Comment: This sequence change replaces valine, which is neutral and non-polar, with alanine, which is neutral and non-polar, at codon 466 of the SCN10A protein (p.Val466Ala). This variant is present in population databases (rs764168768, gnomAD 0.04%). This variant has not been reported in the literature in individuals affected with SCN10A-related conditions. ClinVar contains an entry for this variant (Variation ID: 972308). Invitae Evidence Modeling of protein sequence and biophysical properties (such as structural, functional, and spatial information, amino acid conservation, physicochemical variation, residue mobility, and thermodynamic stability) indicates that this missense variant is not expected to disrupt SCN10A protein function with a negative predictive value of 80%. In summary, the available evidence is currently insufficient to determine the role of this variant in disease. Therefore, it has been classified as a Variant of Uncertain Significance.

GeneDx
Classification: Uncertain significance. Last evaluated: 2020-11-13. Review status: criteria provided, single submitter. Criteria: GeneDx Variant Classification Process June 2021. Collection method: clinical testing. Allele origin: germline. Affected: yes.
Comment: Has not been previously published as pathogenic or benign to our knowledge; In silico analysis supports that this missense variant does not alter protein structure/function

Ambry Genetics
Classification: Likely benign for Cardiovascular phenotype. Last evaluated: 2020-03-03. Review status: criteria provided, single submitter. Criteria: Ambry Variant Classification Scheme 2023. Collection method: clinical testing. Allele origin: germline.

NM_006514.4(SCN10A):c.1397T>C (p.Val466Ala)

Gene: SCN10A (sodium voltage-gated channel alpha subunit 10; minus strand). Cytogenetic location: 3p22.2.
Variant type: single nucleotide variant.
Coding change: c.1397T>C on transcript NM_006514.4 (MANE Select); coding-DNA position 1397, T replaced by C.
Protein change: p.Val466Ala; replaces valine 466 with alanine.
Molecular consequence: missense variant.
Genome position (GRCh38, 1-based): chr3:38,755,852, A>G on the plus strand (T>C on the coding strand, the complement: SCN10A is on the minus strand). VCF-style: chr3-38755852-A-G. GRCh37 (hg19) VCF-style: chr3-38797343-A-G.
Other names: c.1397T>C, p.Val466Ala (NM_001293306.2, NM_001293307.2); short protein forms V466A.
Identifiers: ClinVar variation 972308 (VCV000972308.11), dbSNP rs764168768, ClinGen allele CA2320879.